The following is an entry in ClinVar:

NM_001378418.1(TCF20):c.3496T>C (p.Ser1166Pro)

Gene: TCF20 (transcription factor 20; minus strand). Cytogenetic location: 22q13.2.
Variant type: single nucleotide variant.
Coding change: c.3496T>C on transcript NM_001378418.1 (MANE Select); coding-DNA position 3496, T replaced by C.
Protein change: p.Ser1166Pro; replaces serine 1166 with proline.
Molecular consequence: missense variant.
Genome position (GRCh38, 1-based): chr22:42,211,810, A>G on the plus strand (T>C on the coding strand, the complement: TCF20 is on the minus strand). VCF-style: chr22-42211810-A-G. GRCh37 (hg19) VCF-style: chr22-42607816-A-G.
Other names: c.3496T>C, p.Ser1166Pro (NM_005650.4, NM_181492.3); short protein forms S1166P.
Identifiers: ClinVar variation 1342544 (VCV001342544.6), dbSNP rs867811393, ClinGen allele CA324699550.

ClinVar aggregate classification (germline): Uncertain significance. Review status: criteria provided, multiple submitters, no conflicts (2 of 4 stars). 2 submissions from 2 submitters: Uncertain significance (2). Last evaluated 2022-11-07.

Conditions:
Developmental delay with variable intellectual impairment and behavioral abnormalities. Identifiers: MedGen C5193092, MONDO:0032745, OMIM 618430.

Allele frequency attached by ClinVar (database versions not stated): gnomAD exomes below 0.00001.
gnomAD v4.1: 3 of 1,614,028 alleles (0.00019%); highest among the groups gnomAD compares: African/African-American, 0.004%; no homozygotes.

Submissions (2):

Labcorp Genetics (formerly Invitae), Labcorp
Classification: Uncertain significance. Last evaluated: 2022-11-07. Review status: criteria provided, single submitter. Criteria: Invitae Variant Classification Sherloc (09022015). Collection method: clinical testing. Allele origin: germline.
Comment: Algorithms developed to predict the effect of missense changes on protein structure and function (SIFT, PolyPhen-2, Align-GVGD) all suggest that this variant is likely to be tolerated. ClinVar contains an entry for this variant (Variation ID: 1342544). This variant has not been reported in the literature in individuals affected with TCF20-related conditions. This variant is not present in population databases (gnomAD no frequency). This sequence change replaces serine, which is neutral and polar, with proline, which is neutral and non-polar, at codon 1166 of the TCF20 protein (p.Ser1166Pro). In summary, the available evidence is currently insufficient to determine the role of this variant in disease. Therefore, it has been classified as a Variant of Uncertain Significance.

New York Genome Center
Classification: Uncertain significance for Developmental delay with variable intellectual impairment and behavioral abnormalities. Last evaluated: 2021-03-26. Review status: criteria provided, single submitter. Criteria: NYGC Assertion Criteria 2020. Collection method: clinical testing. Allele origin: germline. Observed: 1 heterozygote. Study: CSER-NYCKidSeq.
Comment: The c.3496T>C (p.Ser1166Pro) variant identified in the TCF20 gene substitutes a moderately conserved Serine for Proline at amino acid 1166/1961 (exon 2/6). This variant is absent from gnomAD(v3.1.1) suggesting it is not a common benign variant in the populations represented in that database. In silico algorithms predict this variant to be Tolerated (SIFT; score:0.093) and Benign (REVEL; score:0.107) to the function of the canonical transcript. This variant is absent from ClinVar and to our current knowledge has not been reported in affected individuals in the literature. The p.Ser1166 residue is not within a mapped domain of TCF20 (UniProtKB:Q9UGU0), but is just N-terminal to the Leucine-zipper (residues 1170-1191). Given the lack of compelling evidence for its pathogenicity, the c.3496T>C (p.Ser1166Pro) variant identified in the TCF20 gene is reported as a Variant of Uncertain Significance.